The following is an entry in ClinVar:

ClinVar aggregate classification (germline): Likely pathogenic. Review status: criteria provided, single submitter (1 of 4 stars). 2 submissions from 2 submitters: Likely pathogenic (1). 1 of the submissions does not count toward it. Last evaluated 2025-10-17.

Conditions:
Retinal disorder. Also called: Retinal disorders; Retinopathies; Retinal Diseases; Retinopathy. Identifiers: MedGen C0035309, MONDO:0005283, HP:0000488.

Submissions (2):

Genetics Laboratory, Great Ormond Street Hospital NHS Foundation Trust, North Thames Genomic Laboratory Hub
Classification: Likely pathogenic for Retinal disorders. Last evaluated: 2025-10-17. Review status: criteria provided, single submitter. Criteria: ACGS Best Practice Guidelines for Variant Classification in Rare Disease 2024 v1.2. Collection method: clinical testing. Allele origin: germline. Affected: yes.
Comment: PS4_moderate, PM2_moderate, PP3_supporting, PM5_supporting

Retina International
No classification provided. Review status: no classification provided. Collection method: not provided. Allele origin: not provided. Not counted in ClinVar's aggregate classification.

NM_004183.4(BEST1):c.880C>G (p.Leu294Val)

Gene: BEST1 (bestrophin 1; plus strand). Cytogenetic location: 11q12.3.
Variant type: single nucleotide variant.
Coding change: c.880C>G on transcript NM_004183.4 (MANE Select); coding-DNA position 880, C replaced by G.
Protein change: p.Leu294Val; replaces leucine 294 with valine.
Molecular consequence: missense variant. On other transcripts: non-coding transcript variant (1), intron variant (1).
Genome position (GRCh38, 1-based): chr11:61,959,510, C>G. VCF-style: chr11-61959510-C-G. GRCh37 (hg19) VCF-style: chr11-61726982-C-G.
Other names: c.700C>G, p.Leu234Val (NM_001139443.3, NM_001300787.2); c.562C>G, p.Leu188Val (NM_001363591.3); c.1083C>G, p.Ser361Arg (NM_001363592.2); c.-93C>G (NM_001363593.3); c.688-382C>G (NM_001300786.2); short protein forms L294V, L234V, S361R, L188V.
Identifiers: ClinVar variation 99760 (VCV000099760.2), dbSNP rs281865251, ClinGen allele CA227829.
Genomic context (GRCh38, chr11:61,959,510, plus strand): 5'-TTTGAGGAGTTCTGCCTGAGGGTTTACAGAGCCTCACCTGTCCCCAAGGTGGCAGAGCAG[C>G]TCATCAACCCCTTTGGAGAGGATGATGATGATTTTGAGACCAACTGGATTGTCGACAGGA-3'
Protein context (NP_004174.1, residues 284-304): YVGWLKVAEQ[Leu294Val]INPFGEDDDD